The following is an entry in ClinVar:

NM_000052.7(ATP7A):c.1004T>C (p.Ile335Thr)

Gene: ATP7A (ATPase copper transporting alpha; plus strand). Cytogenetic location: Xq21.1.
Variant type: single nucleotide variant.
Coding change: c.1004T>C on transcript NM_000052.7 (MANE Select); coding-DNA position 1004, T replaced by C.
Protein change: p.Ile335Thr; replaces isoleucine 335 with threonine.
Molecular consequence: missense variant.
Genome position (GRCh38, 1-based): chrX:77,989,626, T>C. VCF-style: chrX-77989626-T-C. GRCh37 (hg19) VCF-style: chrX-77245122-T-C.
Other names: c.1004T>C, p.Ile335Thr (NM_001282224.2); short protein forms I335T.
Identifiers: ClinVar variation 2941102 (VCV002941102.3), dbSNP rs1464678343, ClinGen allele CA413601606.

ClinVar aggregate classification (germline): Uncertain significance (1 of 4 stars; one submission).

Conditions:
Menkes kinky-hair syndrome (MNK). Also called: Copper transport disease; Menkes Disease; Classic Menkes Disease. Identifiers: Orphanet 565, MedGen C0022716, MONDO:0010651, OMIM 309400.
Cutis laxa, X-linked (OHS). Also called: EDS IX; Occipital horn syndrome. Identifiers: Orphanet 198, MedGen C0268353, MONDO:0010572, OMIM 304150.
X-linked distal spinal muscular atrophy type 3. Also called: ATP7A-Related Distal Motor Neuropathy; SPINAL MUSCULAR ATROPHY, DISTAL, X-LINKED RECESSIVE; NEURONOPATHY, DISTAL HEREDITARY MOTOR, X-LINKED; NEUROPATHY, DISTAL HEREDITARY MOTOR, X-LINKED. Identifiers: Orphanet 139557, MedGen C1845359, MONDO:0010338, OMIM 300489.

Allele frequency attached by ClinVar (database versions not stated): TOPMed 0.00003.

Submission:

Labcorp Genetics (formerly Invitae), Labcorp
Classification: Uncertain significance for X-linked distal spinal muscular atrophy type 3; Cutis laxa, X-linked; Menkes kinky-hair syndrome. Last evaluated: 2023-11-14. Review status: criteria provided, single submitter. Criteria: Invitae Variant Classification Sherloc (09022015). Collection method: clinical testing. Allele origin: germline.
Comment: This sequence change replaces isoleucine, which is neutral and non-polar, with threonine, which is neutral and polar, at codon 335 of the ATP7A protein (p.Ile335Thr). This variant is not present in population databases (gnomAD no frequency). This variant has not been reported in the literature in individuals affected with ATP7A-related conditions. Advanced modeling of protein sequence and biophysical properties (such as structural, functional, and spatial information, amino acid conservation, physicochemical variation, residue mobility, and thermodynamic stability) has been performed at Invitae for this missense variant, however the output from this modeling did not meet the statistical confidence thresholds required to predict the impact of this variant on ATP7A protein function. In summary, the available evidence is currently insufficient to determine the role of this variant in disease. Therefore, it has been classified as a Variant of Uncertain Significance.